The following is an entry in ClinVar:

ClinVar aggregate classification (germline): Benign (1 of 4 stars; one submission).

Conditions:
Neuroblastoma (NB). Identifiers: Orphanet 635, MedGen C0027819, MeSH D009447, MONDO:0005072, HP:0003006.

Allele frequency attached by ClinVar (database versions not stated): 1000 Genomes Project 0.02616; gnomAD 0.02659 and 0.02890; TOPMed 0.02761; 1000 Genomes Project 30x 0.02904.

Submission:

Illumina Laboratory Services, Illumina
Classification: Benign for Neuroblastoma. Last evaluated: 2018-01-13. Review status: criteria provided, single submitter. Criteria: ICSL Variant Classification Criteria 13 December 2019. Collection method: clinical testing. Allele origin: germline.
Comment: This variant was observed in the ICSL laboratory as part of a predisposition screen in an ostensibly healthy population. It had not been previously curated by ICSL or reported in the Human Gene Mutation Database (HGMD: prior to June 1st, 2018), and was therefore a candidate for classification through an automated scoring system. Utilizing variant allele frequency, disease prevalence and penetrance estimates, and inheritance mode, an automated score was calculated to assess if this variant is too frequent to cause the disease. Based on the score and internal cut-off values, a variant classified as benign is not then subjected to further curation. The score for this variant resulted in a classification of benign for this disease.

NM_001365951.3(KIF1B):c.-80+1G>T

Gene: KIF1B (kinesin family member 1B; plus strand). Cytogenetic location: 1p36.22.
Variant type: single nucleotide variant.
Coding change: c.-80+1G>T on transcript NM_001365951.3 (MANE Select); the canonical splice donor site of the intron after 80 bases upstream of the start codon, G replaced by T.
Molecular consequence: splice donor variant.
Genome position (GRCh38, 1-based): chr1:10,210,879, G>T. VCF-style: chr1-10210879-G-T. GRCh37 (hg19) VCF-style: chr1-10270937-G-T.
Other names: c.-80+1G>T (NM_183416.4, NM_015074.3).
Identifiers: ClinVar variation 291461 (VCV000291461.5), dbSNP rs140240544, ClinGen allele CA10607190.
Genomic context (GRCh38, chr1:10,210,879, plus strand): 5'-CCCCCGCGCGCCGCGGCTCCTGTTGACCCGGTCCGCCCGTCGGTCTGCAGCGCGGCTGAG[G>T]TAAGGCGGCGGGGCTGGCCGCGGTTGGCGCCGCGGTCGCGGGGTTGGGGAGGGGGCCGCT-3'